The following is an entry in ClinVar:

NM_006231.4(POLE):c.2441_2443del (p.Ser814del)

Gene: POLE (DNA polymerase epsilon, catalytic subunit; minus strand). Cytogenetic location: 12q24.33.
Variant type: Deletion.
Coding change: c.2441_2443del on transcript NM_006231.4 (MANE Select); coding-DNA positions 2441 to 2443, 3 bases deleted (CCT; older notation c.2441_2443delCCT).
Protein change: p.Ser814del; deletes serine 814.
Molecular consequence: inframe deletion.
Genome position (GRCh38, 1-based): chr12:132,665,327-132,665,329, AGG deleted on the plus strand (CCT on the coding strand, the reverse complement: POLE is on the minus strand); deleting any 3 consecutive bases within chr12:132,665,327-132,665,331 gives the same sequence; the c. name uses the placement nearest the transcript's 3' end. VCF-style (leftmost placement, unchanged base first): chr12-132665326-AAGG-A. GRCh37 (hg19) VCF-style: chr12-133241912-AAGG-A.
Other names: short protein forms S814del.
Identifiers: ClinVar variation 3781518 (VCV003781518.1).

ClinVar aggregate classification (germline): Uncertain significance (1 of 4 stars; one submission).

Conditions:
Hereditary cancer-predisposing syndrome. Also called: Neoplastic Syndromes, Hereditary; Hereditary Cancer Syndrome; Tumor predisposition; Hereditary neoplastic syndrome. Identifiers: Orphanet 140162, MedGen C0027672, MeSH D009386, MONDO:0015356.

Submission:

Ambry Genetics
Classification: Uncertain significance for Hereditary cancer-predisposing syndrome. Last evaluated: 2025-03-07. Review status: criteria provided, single submitter. Criteria: Ambry Variant Classification Scheme 2023. Collection method: clinical testing. Allele origin: germline.
Comment: The c.2441_2443delCCT variant (also known as p.S814del) is located in coding exon 21 of the POLE gene. This variant results from an in-frame CCT deletion at nucleotide positions 2441 to 2443. This results in the in-frame deletion of a serine at codon 814. This amino acid position is highly conserved in available vertebrate species. In addition, this alteration is predicted to be deleterious by in silico analysis (Choi Y et al. PLoS ONE. 2012; 7(10):e46688). Based on the available evidence, the clinical significance of this variant remains unclear.